The following is an entry in ClinVar:

NM_000064.4(C3):c.4369G>C (p.Asp1457His)

Gene: C3 (complement C3; minus strand). Cytogenetic location: 19p13.3.
Variant type: single nucleotide variant.
Coding change: c.4369G>C on transcript NM_000064.4 (MANE Select); coding-DNA position 4369, G replaced by C.
Protein change: p.Asp1457His; replaces aspartic acid 1457 with histidine.
Molecular consequence: missense variant.
Genome position (GRCh38, 1-based): chr19:6,680,245, C>G on the plus strand (G>C on the coding strand, the complement: C3 is on the minus strand). VCF-style: chr19-6680245-C-G. GRCh37 (hg19) VCF-style: chr19-6680256-C-G.
Other names: p.Asp1457His; short protein forms D1457H.
Identifiers: ClinVar variation 737356 (VCV000737356.13), dbSNP rs113742728, ClinGen allele CA9128406.

ClinVar aggregate classification (germline): Conflicting classifications of pathogenicity. Review status: criteria provided, conflicting classifications (1 of 4 stars). 5 submissions from 5 submitters: Uncertain significance (1); Likely benign (4). Last evaluated 2025-11-21.

Conditions:
Complement component 3 deficiency. Identifiers: Orphanet 280133, MedGen C3151071, MONDO:0013417, OMIM 613779.
C3 glomerulonephritis. Also called: Nephropathy due to CFHR5 Deficiency; C3 GLOMERULOPATHY 3. Identifiers: Orphanet 329931, MedGen C4055342, MONDO:0013892, OMIM 614809.
Atypical hemolytic-uremic syndrome. Identifiers: Orphanet 2134, MedGen C2931788, MONDO:0016244.

Allele frequency attached by ClinVar (database versions not stated): gnomAD exomes 0.00011 and 0.00028; ExAC 0.00036; gnomAD 0.00088 and 0.00089; TOPMed 0.00092; ESP Exome Variant Server 0.00115; 1000 Genomes Project 0.00160; 1000 Genomes Project 30x 0.00172.

Submissions (5):

Labcorp Genetics (formerly Invitae), Labcorp
Classification: Likely benign. Last evaluated: 2025-11-21. Review status: criteria provided, single submitter. Criteria: Invitae Variant Classification Sherloc (09022015). Collection method: clinical testing. Allele origin: germline.

Genomenon, Inc
Classification: Likely benign for Complement component 3 deficiency; C3 glomerulonephritis; Atypical hemolytic-uremic syndrome. Last evaluated: 2025-09-30. Review status: criteria provided, single submitter. Criteria: Genomenon Sequence Variant Interpretation Standards. Collection method: curation. Allele origin: germline. Affected: no.
Comment: C3 p.Asp1457His (c.4369G>C) is a missense variant that changes the amino acid at residue 1457 from Aspartic acid to Histidine. This variant has been reported in the published literature (PMID:26826462;29563339;29282226). In silico models agree that this variant is not damaging. This variant’s allele frequency in gnomAD is greater than expected for this disorder. In conclusion, we classify C3 p.Asp1457His (c.4369G>C) as a likely benign variant.

Mayo Clinic Laboratories, Mayo Clinic
Classification: Uncertain significance. Last evaluated: 2024-08-27. Review status: criteria provided, single submitter. Criteria: ACMG Guidelines, 2015. Collection method: clinical testing. Allele origin: germline. Observed: 3 variant alleles.
Comment: BP4

Blueprint Genetics
Classification: Likely benign. Last evaluated: 2024-08-22. Review status: criteria provided, single submitter. Criteria: ACMG Guidelines, 2015. Collection method: clinical testing. Allele origin: germline.

Women's Health and Genetics/Laboratory Corporation of America, LabCorp
Classification: Likely benign. Last evaluated: 2023-12-18. Review status: criteria provided, single submitter. Criteria: LabCorp Variant Classification Summary - May 2015. Collection method: clinical testing. Allele origin: germline.
Comment: Variant summary: C3 c.4369G>C (p.Asp1457His) results in a non-conservative amino acid change located in the alpha-macroglobulin, receptor-binding domain (IPR009048) of the encoded protein sequence. Three of five in-silico tools predict a damaging effect of the variant on protein function. The variant allele was found at a frequency of 0.0002 in 1609596 control chromosomes, predominantly at a frequency of 0.0033 within the African or African-American subpopulation in the gnomAD database, including 2 homozygotes. The observed variant frequency within African or African-American control individuals in the gnomAD database is approximately 3-fold of the estimated maximal expected allele frequency for a pathogenic variant in C3 causing C3 Deficiency phenotype (0.0011), suggesting that the variant is a benign polymorphism found primarily in populations of African or African-American origin. c.4369G>C has not, to our knowledge, been reported in individuals affected with C3 Deficiency, but has been reported in the literature in the heterozygous state in individuals affected with and/or with clinical features of Familial Atypical Hemolytic-Uremic Syndrome, however, at least two of these individuals were of African ancestry and these publications did not provide strong evidence for causality (e.g. Szarvas_2016, Vaught_2018, Fremeaux-Bacchi_2019). These reports do not provide unequivocal conclusions about association of the variant with disease. To our knowledge, no experimental evidence demonstrating an impact on protein function has been reported. The following publications have been ascertained in the context of this evaluation (PMID: 30674459, 26826462, 29563339). One submitter has cited a clinical-significance assessment for this variant to ClinVar after 2014 and has classified the variant as likely benign. Based on the evidence outlined above, the variant was classified as likely benign.

Literature cited by the submitters: PubMed 26826462 (cited by 3 submitters); PubMed 29563339 (cited by 3 submitters); PubMed 29282226 (cited by Genomenon, Inc); PubMed 30674459 (cited by Mayo Clinic Laboratories, Mayo Clinic and Women's Health and Genetics/Laboratory Corporation of America, LabCorp).